The following is an entry in ClinVar:

ClinVar aggregate classification (germline): Uncertain significance. Review status: criteria provided, multiple submitters, no conflicts (2 of 4 stars). 2 submissions from 2 submitters: Uncertain significance (2). Last evaluated 2022-10-07.

Conditions:
ACTN1-related disorder. Also called: ACTN1-related condition.

Allele frequency attached by ClinVar (database versions not stated): gnomAD 0.00001; TOPMed 0.00001; ExAC 0.00002.
gnomAD v4.1: 10 of 1,613,132 alleles (0.00062%); highest among the groups gnomAD compares: Non-Finnish European, 0.00076%; no homozygotes.

Submissions (2):

Labcorp Genetics (formerly Invitae), Labcorp
Classification: Uncertain significance. Last evaluated: 2022-10-07. Review status: criteria provided, single submitter. Criteria: Invitae Variant Classification Sherloc (09022015). Collection method: clinical testing. Allele origin: germline.
Comment: This variant is present in population databases (rs752969920, gnomAD 0.002%). This sequence change replaces glycine, which is neutral and non-polar, with glutamic acid, which is acidic and polar, at codon 49 of the ACTN1 protein (p.Gly49Glu). This variant has not been reported in the literature in individuals affected with ACTN1-related conditions. In summary, the available evidence is currently insufficient to determine the role of this variant in disease. Therefore, it has been classified as a Variant of Uncertain Significance. Advanced modeling of protein sequence and biophysical properties (such as structural, functional, and spatial information, amino acid conservation, physicochemical variation, residue mobility, and thermodynamic stability) has been performed at Invitae for this missense variant, however the output from this modeling did not meet the statistical confidence thresholds required to predict the impact of this variant on ACTN1 protein function.

PreventionGenetics, part of Exact Sciences
Classification: Uncertain significance for ACTN1-related condition. Last evaluated: 2022-08-24. Review status: criteria provided, single submitter. Criteria: ACMG Guidelines, 2015. Collection method: clinical testing. Allele origin: germline.
Comment: The ACTN1 c.146G>A variant is predicted to result in the amino acid substitution p.Gly49Glu. This variant has been reported in controls from a case-control study of individuals with mild isolated non-syndromic thrombocytopenia (Guéguen et al. 2019. PubMed ID: 32757236). This variant is reported in 0.0023% of alleles in individuals of European (Non-Finnish) descent in gnomAD. At this time, the clinical significance of this variant is uncertain due to the absence of conclusive functional and genetic evidence.

NM_001130004.2(ACTN1):c.146G>A (p.Gly49Glu)

Gene: ACTN1 (actinin alpha 1; minus strand). Cytogenetic location: 14q24.1.
Variant type: single nucleotide variant.
Coding change: c.146G>A on transcript NM_001130004.2 (MANE Select); coding-DNA position 146, G replaced by A.
Protein change: p.Gly49Glu; replaces glycine 49 with glutamic acid.
Molecular consequence: missense variant.
Genome position (GRCh38, 1-based): chr14:68,925,632, C>T on the plus strand (G>A on the coding strand, the complement: ACTN1 is on the minus strand). VCF-style: chr14-68925632-C-T. GRCh37 (hg19) VCF-style: chr14-69392349-C-T.
Other names: c.146G>A, p.Gly49Glu (NM_001102.4, NM_001130005.2, NM_001411035.1); c.-50G>A (NM_001411036.1); short protein forms G49E.
Identifiers: ClinVar variation 1952085 (VCV001952085.6), dbSNP rs752969920, ClinGen allele CA7242795.